The following is an entry in ClinVar:

NM_000283.4(PDE6B):c.469-6C>T

Gene: PDE6B (phosphodiesterase 6B; plus strand). Cytogenetic location: 4p16.3.
Variant type: single nucleotide variant.
Coding change: c.469-6C>T on transcript NM_000283.4 (MANE Select); 6 bases into the intron before coding-DNA position 469, C replaced by T.
Molecular consequence: intron variant.
Genome position (GRCh38, 1-based): chr4:634,671, C>T. VCF-style: chr4-634671-C-T. GRCh37 (hg19) VCF-style: chr4-628460-C-T.
Other names: c.469-6C>T (NM_000283.3, NM_001145291.2).
Identifiers: ClinVar variation 1138337 (VCV001138337.11), dbSNP rs555822869, ClinGen allele CA2793973.

ClinVar aggregate classification (germline): Likely benign. Review status: criteria provided, multiple submitters, no conflicts (2 of 4 stars). 3 submissions from 3 submitters: Likely benign (3). Last evaluated 2025-10-13.

Conditions:
PDE6B-related disorder. Also called: PDE6B-related disease; PDE6B-related condition; PDE6B-related disorders.

Allele frequency attached by ClinVar (database versions not stated): 1000 Genomes Project 30x 0.00016; 1000 Genomes Project 0.00020.

Submissions (3):

PreventionGenetics, part of Exact Sciences
Classification: Likely benign for PDE6B-related condition. Last evaluated: 2025-10-13. Review status: criteria provided, single submitter. Criteria: ACMG Guidelines, 2015. Collection method: clinical testing. Allele origin: germline.
Comment: This variant is classified as likely benign based on ACMG/AMP sequence variant interpretation guidelines (Richards et al. 2015 PMID: 25741868, with internal and published modifications).

Blueprint Genetics
Classification: Likely benign. Last evaluated: 2024-02-07. Review status: criteria provided, single submitter. Criteria: ACMG Guidelines, 2015. Collection method: clinical testing. Allele origin: germline.

Labcorp Genetics (formerly Invitae), Labcorp
Classification: Likely benign. Last evaluated: 2023-03-09. Review status: criteria provided, single submitter. Criteria: Invitae Variant Classification Sherloc (09022015). Collection method: clinical testing. Allele origin: germline.